The following is an entry in ClinVar:

ClinVar aggregate classification (germline): Pathogenic/Likely pathogenic. Review status: criteria provided, multiple submitters, no conflicts (2 of 4 stars). 2 submissions from 2 submitters: Pathogenic (1); Likely pathogenic (1). Last evaluated 2025-08-20.

Conditions:
Neurofibromatosis, type 1 (NF1). Also called: VON RECKLINGHAUSEN DISEASE; Neurofibromatosis, type I; NEUROFIBROMATOSIS, TYPE I, SOMATIC; Peripheral type neurofibromatosis. Identifiers: Orphanet 636, MedGen C0027831, MONDO:0018975, OMIM 162200. Disease mechanism: loss of function.

Submissions (2):

Labcorp Genetics (formerly Invitae), Labcorp
Classification: Pathogenic for Neurofibromatosis, type 1. Last evaluated: 2025-08-20. Review status: criteria provided, single submitter. Criteria: Invitae Variant Classification Sherloc (09022015). Collection method: clinical testing. Allele origin: germline.
Comment: This sequence change creates a premature translational stop signal (p.Tyr333*) in the NF1 gene. It is expected to result in an absent or disrupted protein product. Loss-of-function variants in NF1 are known to be pathogenic (PMID: 10712197, 23913538). This variant is not present in population databases (gnomAD no frequency). This premature translational stop signal has been observed in individual(s) with neurofibromatosis type 1 (PMID: 29685074). Invitae Evidence Modeling of clinical and family history, age, sex, and reported ancestry of multiple individuals with this NF1 variant has been performed. This variant is expected to be pathogenic with a positive predictive value of at least 99%. This is a validated machine learning model that incorporates the clinical features of 1,785,918 individuals referred to our laboratory for NF1 testing. ClinVar contains an entry for this variant (Variation ID: 647719). Algorithms developed to predict the effect of sequence changes on RNA splicing suggest that this variant may disrupt the consensus splice site. For these reasons, this variant has been classified as Pathogenic.

Mayo Clinic Laboratories, Mayo Clinic
Classification: Likely pathogenic. Last evaluated: 2025-05-28. Review status: criteria provided, single submitter. Criteria: ACMG Guidelines, 2015. Collection method: clinical testing. Allele origin: germline. Observed: 1 variant allele.
Comment: PM2_supporting, PVS1

Literature cited by the submitters: PubMed 10712197 (cited by Labcorp Genetics (formerly Invitae), Labcorp); PubMed 23913538 (cited by Labcorp Genetics (formerly Invitae), Labcorp); PubMed 29685074 (cited by Labcorp Genetics (formerly Invitae), Labcorp); PubMed 23758643 (cited by Mayo Clinic Laboratories, Mayo Clinic); PubMed 27838393 (cited by Mayo Clinic Laboratories, Mayo Clinic); PubMed 27980226 (cited by Mayo Clinic Laboratories, Mayo Clinic); PubMed 31766501 (cited by Mayo Clinic Laboratories, Mayo Clinic).

NM_001042492.3(NF1):c.999C>G (p.Tyr333Ter)

Gene: NF1 (neurofibromin 1; plus strand). Cytogenetic location: 17q11.2.
Variant type: single nucleotide variant.
Coding change: c.999C>G on transcript NM_001042492.3 (MANE Select); coding-DNA position 999, C replaced by G.
Protein change: p.Tyr333Ter; replaces tyrosine 333 with a stop codon.
Molecular consequence: nonsense.
Genome position (GRCh38, 1-based): chr17:31,200,532, C>G. VCF-style: chr17-31200532-C-G. GRCh37 (hg19) VCF-style: chr17-29527550-C-G.
Other names: p.Tyr333*; c.999C>G, p.Tyr333Ter (NM_000267.4, NM_001128147.3); short protein forms Y333*.
Identifiers: ClinVar variation 647719 (VCV000647719.8), dbSNP rs1466912192, ClinGen allele CA398996217.